The following is an entry in ClinVar:

ClinVar aggregate classification (germline): Conflicting classifications of pathogenicity. Review status: criteria provided, conflicting classifications (1 of 4 stars). 3 submissions from 3 submitters: Uncertain significance (1); Likely benign (2). Last evaluated 2025-08-21.

Conditions:
Shprintzen-Goldberg syndrome (SGS). Also called: Marfanoid disorder with craniosynostosis type 1; Marfanoid craniosynostosis syndrome; Shprintzen-Goldberg marfanoid syndrome; SHPRINTZEN-GOLDBERG CRANIOSYNOSTOSIS SYNDROME; CRANIOSYNOSTOSIS WITH ARACHNODACTYLY AND ABDOMINAL HERNIAS. Identifiers: Orphanet 2462, MedGen C1321551, MONDO:0008426, OMIM 182212.
Familial thoracic aortic aneurysm and aortic dissection (TAAD). Also called: Thoracic aortic aneurysms and dissections. Identifiers: Orphanet 91387, MedGen C4707243, MONDO:0019625.

Allele frequency attached by ClinVar (database versions not stated): gnomAD 0.00001 and 0.00005; TOPMed 0.00001; gnomAD exomes 0.00005 and 0.00010; ExAC 0.00010.
gnomAD v4.1: 83 of 1,601,940 alleles (0.0052%); highest among the groups gnomAD compares: South Asian, 0.083%; no homozygotes.

Submissions (3):

GeneDx
Classification: Uncertain significance. Last evaluated: 2025-08-21. Review status: criteria provided, single submitter. Criteria: GeneDx Variant Classification Process June 2021. Collection method: clinical testing. Allele origin: germline. Affected: yes.
Comment: Has not been previously published as pathogenic or benign to our knowledge; In silico analysis suggests that this missense variant does not alter protein structure/function

Ambry Genetics
Classification: Likely benign for Familial thoracic aortic aneurysm and aortic dissection. Last evaluated: 2024-09-11. Review status: criteria provided, single submitter. Criteria: Ambry Variant Classification Scheme 2023. Collection method: clinical testing. Allele origin: germline.

Labcorp Genetics (formerly Invitae), Labcorp
Classification: Likely benign for Shprintzen-Goldberg syndrome. Last evaluated: 2022-07-12. Review status: criteria provided, single submitter. Criteria: Invitae Variant Classification Sherloc (09022015). Collection method: clinical testing. Allele origin: germline.

NM_003036.4(SKI):c.611C>T (p.Ala204Val)

Gene: SKI (SKI proto-oncogene; plus strand). Cytogenetic location: 1p36.33.
Variant type: single nucleotide variant.
Coding change: c.611C>T on transcript NM_003036.4 (MANE Select); coding-DNA position 611, C replaced by T.
Protein change: p.Ala204Val; replaces alanine 204 with valine.
Molecular consequence: missense variant.
Genome position (GRCh38, 1-based): chr1:2,229,377, C>T. VCF-style: chr1-2229377-C-T. GRCh37 (hg19) VCF-style: chr1-2160816-C-T.
Other names: short protein forms A204V.
Identifiers: ClinVar variation 1035650 (VCV001035650.13), dbSNP rs772336192, ClinGen allele CA536423.
Genomic context (GRCh38, chr1:2,229,377, plus strand): 5'-GCCTGTGCAACGCGCTGCTCTACGGCGGCGCCTACCCGCCGCCCTGCAAGAAGGAGCTGG[C>T]CGCCAGCCTGGCGCTGGGCCTGGAGCTCAGCGAGCGCAGCGTCCGCGTGTACCACGAGTG-3'
Protein context (NP_003027.1, residues 194-214): AYPPPCKKEL[Ala204Val]ASLALGLELS